The following is an entry in ClinVar:

ClinVar aggregate classification (germline): Uncertain significance. Review status: criteria provided, multiple submitters, no conflicts (2 of 4 stars). 2 submissions from 2 submitters: Uncertain significance (2). Last evaluated 2025-10-28.

Allele frequency attached by ClinVar (database versions not stated): ExAC 0.00001; gnomAD 0.00004; TOPMed 0.00004; 1000 Genomes Project 30x 0.00021; 1000 Genomes Project 0.00026.
gnomAD v4.1: 12 of 1,203,899 alleles (0.001%); highest among the groups gnomAD compares: Admixed American, 0.015%; no homozygotes.

Submissions (2):

Ambry Genetics
Classification: Uncertain significance. Last evaluated: 2025-10-28. Review status: criteria provided, single submitter. Criteria: Ambry Variant Classification Scheme 2023. Collection method: clinical testing. Allele origin: germline.

Labcorp Genetics (formerly Invitae), Labcorp
Classification: Uncertain significance. Last evaluated: 2024-10-30. Review status: criteria provided, single submitter. Criteria: Invitae Variant Classification Sherloc (09022015). Collection method: clinical testing. Allele origin: germline.
Comment: This sequence change replaces asparagine, which is neutral and polar, with tyrosine, which is neutral and polar, at codon 258 of the GYG2 protein (p.Asn258Tyr). This variant is present in population databases (rs748405204, gnomAD 0.006%). This variant has not been reported in the literature in individuals affected with GYG2-related conditions. ClinVar contains an entry for this variant (Variation ID: 1905419). An algorithm developed to predict the effect of missense changes on protein structure and function (PolyPhen-2) suggests that this variant is likely to be tolerated. In summary, the available evidence is currently insufficient to determine the role of this variant in disease. Therefore, it has been classified as a Variant of Uncertain Significance.

NM_001079855.2(GYG2):c.679A>T (p.Asn227Tyr)

Gene: GYG2 (glycogenin 2; plus strand). Cytogenetic location: Xp22.33.
Variant type: single nucleotide variant.
Coding change: c.679A>T on transcript NM_001079855.2 (MANE Select); coding-DNA position 679, A replaced by T.
Protein change: p.Asn227Tyr; replaces asparagine 227 with tyrosine.
Molecular consequence: missense variant.
Genome position (GRCh38, 1-based): chrX:2,859,907, A>T. VCF-style: chrX-2859907-A-T. GRCh37 (hg19) VCF-style: chrX-2777948-A-T.
Other names: c.772A>T (NM_003918.2); c.679A>T, p.Asn227Tyr (NM_001184702.2); c.772A>T, p.Asn258Tyr (NM_001184703.2, NM_003918.3); c.214A>T, p.Asn72Tyr (NM_001184704.2); short protein forms N258Y, N227Y, N72Y.
Identifiers: ClinVar variation 1905419 (VCV001905419.6), dbSNP rs748405204, ClinGen allele CA10337144.
Genomic context (GRCh38, chrX:2,859,907, plus strand): 5'-GGTTCCAGTGCAAAGGTCGTCCACTTTTTGGGGTCCATGAAACCTTGGAACTACAAGTAC[A>T]ATCCACAGAGTGGCTCGGTGTTGGAGCAAGGCTCAGCGTCCAGCAGCCAGCACCAGGCGG-3'
Protein context (NP_001073324.1, residues 217-237): GSMKPWNYKY[Asn227Tyr]PQSGSVLEQG